The following is an entry in ClinVar:

ClinVar aggregate classification (germline): Pathogenic (0 of 4 stars; one submission).

Conditions:
Alkaptonuria (AKU). Also called: Alkaptonuric ochronosis; Homogentisic acidura; Alcaptonuria; HOMOGENTISIC ACID OXIDASE DEFICIENCY. Identifiers: Orphanet 56, MedGen C0002066, MONDO:0008753, OMIM 203500.

Submission:

Department Of Human Genetics, Institute Of Clinical And Translational Research, Biomedical Research Center, Slovak Academy Of Sciences
Classification: Pathogenic for Alkaptonuria. Review status: no assertion criteria provided. Collection method: research. Allele origin: germline. Inheritance: Autosomal recessive inheritance. Affected: yes. Observed: 1 variant allele.
Comment: The variant was originally described in AKU patient in PMID:32212000. It has been submitted to the HGD gene mutation database (DB-ID: AKU_00251).

Literature cited by the submitters: PubMed 32212000.

NM_000187.4(HGD):c.1019G>T (p.Ser340Ile)

Gene: HGD (homogentisate 1,2-dioxygenase; minus strand). Cytogenetic location: 3q13.33.
Variant type: single nucleotide variant.
Coding change: c.1019G>T on transcript NM_000187.4 (MANE Select); coding-DNA position 1019, G replaced by T.
Protein change: p.Ser340Ile; replaces serine 340 with isoleucine.
Molecular consequence: missense variant.
Genome position (GRCh38, 1-based): chr3:120,633,316, C>A on the plus strand (G>T on the coding strand, the complement: HGD is on the minus strand). VCF-style: chr3-120633316-C-A. GRCh37 (hg19) VCF-style: chr3-120352163-C-A.
Other names: short protein forms S340I.
Identifiers: ClinVar variation 2627727 (VCV002627727.1), dbSNP rs2472652648, ClinGen allele CA354073013.
Genomic context (GRCh38, chr3:120,633,316, plus strand): 5'-CCTGGCAGGAACCCACCTTGCTTTGCCTCATAGTGACCTCGGATGAGTCCCATGAACTCA[C>A]TCATGCAGTTCCCTGGGAAGGTTGAAGCAGTATTATTTTTATTATCCAAGGCAAGACCAG-3'
Protein context (NP_000178.2, residues 330-350): RPPYYHRNCM[Ser340Ile]EFMGLIRGHY